The following is an entry in ClinVar:

NM_000350.3(ABCA4):c.2919-818G>A

Gene: ABCA4 (ATP binding cassette subfamily A member 4; minus strand). Cytogenetic location: 1p22.1.
Variant type: single nucleotide variant.
Coding change: c.2919-818G>A on transcript NM_000350.3 (MANE Select); 818 bases into the intron before coding-DNA position 2919, G replaced by A.
Molecular consequence: intron variant.
Genome position (GRCh38, 1-based): chr1:94,045,562, C>T on the plus strand (G>A on the coding strand, the complement: ABCA4 is on the minus strand). VCF-style: chr1-94045562-C-T. GRCh37 (hg19) VCF-style: chr1-94511118-C-T.
Other names: c.2697-818G>A (NM_001425324.1).
Identifiers: ClinVar variation 4990612 (VCV004990612.1).

ClinVar aggregate classification (germline): Likely benign (1 of 4 stars; one submission).

Conditions:
ABCA4-related disorder. Also called: ABCA4-related disorders; ABCA4-related condition. Identifiers: MedGen CN239167.

gnomAD v4.1: 4 of 152,282 alleles (0.0026%); highest among the groups gnomAD compares: South Asian, 0.083%; no homozygotes.

Submission:

PreventionGenetics, part of Exact Sciences
Classification: Likely benign for ABCA4-related condition. Last evaluated: 2026-05-27. Review status: criteria provided, single submitter. Criteria: ACMG Guidelines, 2015. Collection method: clinical testing. Allele origin: germline.
Comment: This variant is classified as likely benign based on ACMG/AMP sequence variant interpretation guidelines (Richards et al. 2015 PMID: 25741868, with internal and published modifications).